The following is an entry in ClinVar:

ClinVar aggregate classification (germline): Uncertain significance (1 of 4 stars; one submission).

Allele frequency attached by ClinVar (database versions not stated): gnomAD exomes below 0.00001; ExAC 0.00001.

Submission:

Labcorp Genetics (formerly Invitae), Labcorp
Classification: Uncertain significance. Last evaluated: 2022-07-05. Review status: criteria provided, single submitter. Criteria: Invitae Variant Classification Sherloc (09022015). Collection method: clinical testing. Allele origin: germline.
Comment: This variant is present in population databases (rs759995096, gnomAD 0.007%). This sequence change replaces serine, which is neutral and polar, with asparagine, which is neutral and polar, at codon 454 of the CEP78 protein (p.Ser454Asn). This variant has not been reported in the literature in individuals affected with CEP78-related conditions. In summary, the available evidence is currently insufficient to determine the role of this variant in disease. Therefore, it has been classified as a Variant of Uncertain Significance. Algorithms developed to predict the effect of missense changes on protein structure and function output the following: SIFT: "Tolerated"; PolyPhen-2: "Probably Damaging"; Align-GVGD: "Class C0". The asparagine amino acid residue is found in multiple mammalian species, which suggests that this missense change does not adversely affect protein function. ClinVar contains an entry for this variant (Variation ID: 857912).

NM_001330691.3(CEP78):c.1358G>A (p.Ser453Asn)

Gene: CEP78 (centrosomal protein 78; plus strand). Cytogenetic location: 9q21.2.
Variant type: single nucleotide variant.
Coding change: c.1358G>A on transcript NM_001330691.3 (MANE Select); coding-DNA position 1358, G replaced by A.
Protein change: p.Ser453Asn; replaces serine 453 with asparagine.
Molecular consequence: missense variant.
Genome position (GRCh38, 1-based): chr9:78,254,942, G>A. VCF-style: chr9-78254942-G-A. GRCh37 (hg19) VCF-style: chr9-80869858-G-A.
Other names: c.1361G>A, p.Ser454Asn (NM_001098802.3, NM_001349839.2, NM_001349840.2 and 1 more transcripts); c.1358G>A, p.Ser453Asn (NM_001330693.3, NM_001330694.2, NM_001349838.2); short protein forms S454N, S453N.
Identifiers: ClinVar variation 857912 (VCV000857912.9), dbSNP rs759995096, ClinGen allele CA5095225.